The following is an entry in ClinVar:

NM_001172509.2(SATB2):c.1165C>T (p.Arg389Cys)

Gene: SATB2 (SATB homeobox 2; minus strand). Cytogenetic location: 2q33.1.
Variant type: single nucleotide variant.
Coding change: c.1165C>T on transcript NM_001172509.2 (MANE Select); coding-DNA position 1165, C replaced by T.
Protein change: p.Arg389Cys; replaces arginine 389 with cysteine.
Molecular consequence: missense variant.
Genome position (GRCh38, 1-based): chr2:199,348,709, G>A on the plus strand (C>T on the coding strand, the complement: SATB2 is on the minus strand). VCF-style: chr2-199348709-G-A. GRCh37 (hg19) VCF-style: chr2-200213432-G-A.
Other names: c.1165C>T, p.Arg389Cys (NM_001172517.1, NM_015265.4); short protein forms R389C.
Identifiers: ClinVar variation 381575 (VCV000381575.30), dbSNP rs1057521083, ClinGen allele CA16604085.

ClinVar aggregate classification (germline): Pathogenic/Likely pathogenic. Review status: criteria provided, multiple submitters, no conflicts (2 of 4 stars). 16 submissions from 16 submitters: Pathogenic (12); Likely pathogenic (1). 3 of the submissions do not count toward it. Last evaluated 2024-04-04.

Conditions:
Inborn genetic diseases. Identifiers: MedGen C0950123, MeSH D030342.
Chromosome 2q32-q33 deletion syndrome (GLASS). Also called: 2q33.1 deletion syndrome; Glass syndrome. Identifiers: Orphanet 251019, MedGen C2676739, MONDO:0012864, OMIM 612313.
SATB2 associated disorder. Identifiers: Orphanet 576278, MedGen CN294806, MONDO:0100147.
SATB2-related disorder. Also called: SATB2-related condition.

Submissions (16):

Genomic Medicine Center of Excellence, King Faisal Specialist Hospital and Research Centre
Classification: Pathogenic for Chromosome 2q32-q33 deletion syndrome. Last evaluated: 2024-04-04. Review status: criteria provided, single submitter. Criteria: ACMG Guidelines, 2015. Collection method: clinical testing. Allele origin: germline.

Genetics Laboratory, UDIAT-Centre Diagnòstic, Hospital Universitari Parc Tauli
Classification: Pathogenic for chromosome 2q32-q33 deletion syndrome. Last evaluated: 2024-02-19. Review status: criteria provided, single submitter. Criteria: ACMG Guidelines, 2015. Collection method: clinical testing. Allele origin: unknown. Inheritance: Autosomal dominant inheritance. Affected: yes.
Comment: PS3_strong;PM1_moderate;PM2_supporting;PM6_moderate

Medical Genetics Center, Maternal and Child Health Hospital of Hubei Province
Classification: Pathogenic for Chromosome 2q32-q33 deletion syndrome. Last evaluated: 2023-10-13. Review status: criteria provided, single submitter. Criteria: ACMG Guidelines, 2015. Collection method: clinical testing. Allele origin: de novo. Affected: yes.
Comment: PS2_VeryStrong+PS4_Moderate+PP2+PP3+PS3_Supporting+PM2_Supporting

New York Genome Center
Classification: Pathogenic for Chromosome 2q32-q33 deletion syndrome. Last evaluated: 2023-06-15. Review status: criteria provided, single submitter. Criteria: NYGC Assertion Criteria 2020. Collection method: clinical testing. Allele origin: de novo. Affected: yes. Observed: 1 heterozygote.
Comment: The c.1165C>T variant in SATB2 has previously been reported in multiple individuals with SATB2-associated syndrome [PMID: 29436146, 31021519, 28151491, 33274544] and it has been deposited in ClinVar [ClinVar ID: 381575] as Pathogenic by multiple submitters as de novo in affected individuals. The c.1165C>T variant in SATB2 is absent in population databases (gnomADv2.1, gnomADv3.1, BRAVO-TOPMed, All of Us) suggesting it is not a common benign variant in the populations represented in those databases. The c.1165C>T variant is located in exon 7 of this 11-exon gene and is predicted to replace an evolutionarily conserved arginine amino acid with cystine at position 389 in the encoded protein. The c.1165C>T variant in SATB2 is located within the CUT1 critical domain where multiple pathogenic missense variants have been reported [PMID: 31021519, 29436146]. In silico predictions are in favor of the damaging effect for the p.(Arg389Cys) variant [(CADD v1.6 = 32, REVEL = 0.909)]. Functional studies of p.(Arg389Cys) suggest changes in protein function [PMID: 28151491]. Different missense variant affecting the same amino acid residue have been reported in the literature [c.1166G>T: p.(Arg389Leu); PMID: 31021519, 28151491] and ClinVar [p.(Arg389leu), ClinVar ID: 1526096; p.(Arg389His), ClinVar ID: 1723662; p.(Arg389Pro), ClinVar ID: 2430097] in individuals with SATB2-associated syndrome. Based on available evidence this de novo c.1165C>T p.(Arg389Cys) variant identified in SATB2 is classified as Pathogenic.

Blueprint Genetics
Classification: Pathogenic for SATB2-related disorders. Last evaluated: 2022-11-28. Review status: criteria provided, single submitter. Criteria: ACMG Guidelines, 2015. Collection method: clinical testing. Allele origin: germline. Affected: yes. Observed: 1 variant allele.

GeneDx
Classification: Pathogenic. Last evaluated: 2022-01-18. Review status: criteria provided, single submitter. Criteria: GeneDx Variant Classification Process June 2021. Collection method: clinical testing. Allele origin: germline. Affected: yes.
Comment: Reported previously in an individual with cleft palate, congenital myopia, global developmental delay, and micrognathia, as well as in the de novo state in an individual with intellectual disability, developmental delay, behavioral problems, and Pierre-Robin sequence (Trakadis et al., 2014; Bengani et al., 2017); Not observed at significant frequency in large population cohorts (gnomAD); In silico analysis supports that this missense variant has a deleterious effect on protein structure/function; This variant is associated with the following publications: (PMID: 30945278, 24884844, 28151491, 29436146, 33726816, 31785789, 33274544, 34234817, 32446642)

Institute of Human Genetics, University of Leipzig Medical Center
Classification: Pathogenic for Chromosome 2q32-q33 deletion syndrome. Last evaluated: 2021-11-10. Review status: criteria provided, single submitter. Criteria: ACMG Guidelines, 2015. Collection method: clinical testing. Allele origin: unknown. Affected: yes.
Comment: _x000D_ Criteria applied: PS2, PM5_STR, PS4_MOD, PM2_SUP, PP2, PP3

Victorian Clinical Genetics Services, Murdoch Childrens Research Institute
Classification: Pathogenic for SATB2 associated disorder. Last evaluated: 2020-10-19. Review status: criteria provided, single submitter. Criteria: ACMG Guidelines, 2015. Collection method: clinical testing. Allele origin: germline. Inheritance: Autosomal dominant inheritance. Affected: yes.
Comment: Based on the classification scheme VCGS_Germline_v1.3.3, this variant is classified as Pathogenic. Following criteria are met: 0102 - Loss of function is a known mechanism of disease in this gene and is associated with SATB2-related developmental disorder. (I) 0107 - This gene is associated with autosomal dominant disease. (I) 0200 - Variant is predicted to result in a missense amino acid change from arginine to cysteine. (I) 0251 - This variant is heterozygous. (I) 0301 - Variant is absent from gnomAD (both v2 and v3). (SP) 0501 - Missense variant consistently predicted to be damaging by multiple in silico tools or highly conserved with a major amino acid change. (SP) 0602 - Variant is located in a hotspot region or cluster of pathogenic variants. The variant is located in the CUT domain in which there is a cluster of pathogenic variants. Additionally, this region has high missense contraint (Decipher). (SP) 0703 - Other missense variants comparable to the one identified in this case have moderate previous evidence for pathogenicity. The p.(Arg389Leu) variant has been identified in two patients with SATB2-related developmental disorder (PMID 31021519) and the p.(Arg389His) variant listed as likely pathogenic in a patient with Glass syndrome (Decipher). (SP) 0801 - This variant has strong previous evidence of pathogenicity in unrelated individuals. This variant has been identified in at least 10 unrelated patients with SATB2-related developmental disorder and de novo inheritance has been confirmed in at least one patient (PMIDs: 31021519, 28151491, ClinVar). (SP) 1002 - This variant has moderate functional evidence supporting abnormal protein function. Nuclear localization studies have shown that this variant results in a more diffuse pattern than the wildtype and a marked increase in the proportion of soluble fraction of the protein (PMID: 28151491). (SP) 1208 - Inheritance information for this variant is not currently available in this individual. (I) Legend: (SP) - Supporting pathogenic, (I) - Information, (SB) - Supporting benign

Genomic Medicine Lab, University of California San Francisco
Classification: Pathogenic for Chromosome 2q32-q33 deletion syndrome. Last evaluated: 2020-04-30. Review status: criteria provided, single submitter. Criteria: ACMG Guidelines, 2015. Collection method: clinical testing. Allele origin: de novo. Inheritance: Autosomal dominant inheritance. Affected: yes. Study: CSER-P3EGS.

Labcorp Genetics (formerly Invitae), Labcorp
Classification: Pathogenic for Chromosome 2q32-q33 deletion syndrome. Last evaluated: 2018-09-06. Review status: criteria provided, single submitter. Criteria: Invitae Variant Classification Sherloc (09022015). Collection method: clinical testing. Allele origin: germline.
Comment: This sequence change replaces arginine with cysteine at codon 389 of the SATB2 protein (p.Arg389Cys). The arginine residue is highly conserved and there is a large physicochemical difference between arginine and cysteine. This variant is not present in population databases (ExAC no frequency). This variant has been observed to be de novo in an individual affected with SATB2-related disease (PMID: 28151491). ClinVar contains an entry for this variant (Variation ID: 381575). Experimental studies have shown that this missense change alters sub-cellular localization and chromatin association ability of the protein (PMID: 28151491). This variant disrupts the p.Arg389 amino acid residue in SATB2. Other variant that disrupts this residue has been observed in affected individuals (PMID: 28151491), suggesting that it is a clinically significant residue. As a result, variants that disrupt this residue are likely to be causative of disease. For these reasons, this variant has been classified as Pathogenic.

Clinical Genetics and Genomics, Karolinska University Hospital
Classification: Likely pathogenic. Last evaluated: 2017-10-16. Review status: criteria provided, single submitter. Criteria: ACMG Guidelines, 2015. Collection method: clinical testing. Allele origin: germline. Affected: yes. Observed: 1 variant allele.

Cytogénomique, Hospices Civils de Lyon
Classification: Pathogenic for Chromosome 2q32-q33 deletion syndrome. Last evaluated: 2017-03-16. Review status: criteria provided, single submitter. Criteria: ACMG Guidelines, 2015. Collection method: clinical testing. Allele origin: de novo. Inheritance: Autosomal dominant inheritance. Affected: yes.

Ambry Genetics
Classification: Pathogenic for Inborn genetic diseases. Last evaluated: 2017-02-22. Review status: criteria provided, single submitter. Criteria: Ambry exome assertion method (8-5-2015). Collection method: clinical testing. Allele origin: germline. Affected: yes. Observed: 2 variant alleles.

Solve-RD Consortium
Classification: Likely pathogenic for Chromosome 2q32-q33 deletion syndrome. Last evaluated: 2022-06-01. Review status: no assertion criteria provided. Collection method: provider interpretation. Allele origin: inherited. Affected: yes. Not counted in ClinVar's aggregate classification.
Comment: Variant confirmed as disease-causing by referring clinical team

Variant identified during reanalysis of unsolved cases by the Solve-RD project. The Solve-RD project has received funding from the European Union’s Horizon 2020 research and innovation programme under grant agreement No 779257.

OMIM
Classification: Pathogenic for GLASS SYNDROME. Last evaluated: 2018-06-15. Review status: no assertion criteria provided. Collection method: literature only. Allele origin: germline. Not counted in ClinVar's aggregate classification.

GeneReviews
No classification provided. Condition: Chromosome 2q32-q33 deletion syndrome. Review status: no classification provided. Collection method: literature only. Allele origin: de novo. Not counted in ClinVar's aggregate classification.

Literature cited by the submitters: PubMed 24884844 (cited by Medical Genetics Center, Maternal and Child Health Hospital of Hubei Province and Ambry Genetics); PubMed 28151491 (cited by 6 submitters); PubMed 29436146 (cited by Medical Genetics Center, Maternal and Child Health Hospital of Hubei Province and New York Genome Center); PubMed 30945278 (cited by Medical Genetics Center, Maternal and Child Health Hospital of Hubei Province); PubMed 31785789 (cited by Medical Genetics Center, Maternal and Child Health Hospital of Hubei Province); PubMed 33726816 (cited by Medical Genetics Center, Maternal and Child Health Hospital of Hubei Province); PubMed 34234817 (cited by Medical Genetics Center, Maternal and Child Health Hospital of Hubei Province); PubMed 31021519 (cited by 3 submitters); PubMed 33274544 (cited by New York Genome Center); PubMed 39825153 (cited by Solve-RD Consortium); Hamosh, A. Personal Communication. 2018. Baltimore, Md. (cited by OMIM); NCBI Bookshelf NBK458647 (cited by GeneReviews); PubMed 29023086 (cited by GeneReviews).